The following is an entry in ClinVar:

NM_174878.3(CLRN1):c.380C>G (p.Pro127Arg)

Gene: CLRN1 (clarin 1; minus strand). Cytogenetic location: 3q25.1.
Variant type: single nucleotide variant.
Coding change: c.380C>G on transcript NM_174878.3 (MANE Select); coding-DNA position 380, C replaced by G.
Protein change: p.Pro127Arg; replaces proline 127 with arginine.
Molecular consequence: missense variant. On other transcripts: synonymous variant (1), non-coding transcript variant (1).
Genome position (GRCh38, 1-based): chr3:150,941,635, G>C on the plus strand (C>G on the coding strand, the complement: CLRN1 is on the minus strand). VCF-style: chr3-150941635-G-C. GRCh37 (hg19) VCF-style: chr3-150659422-G-C.
Other names: c.380C>G, p.Pro127Arg (NM_001195794.1); c.552C>G, p.Thr184= (NM_001256819.2); c.152C>G, p.Pro51Arg (NM_052995.2); c.380C>G (NM_174878.2); short protein forms P127R, P51R.
Identifiers: ClinVar variation 1064909 (VCV001064909.10), dbSNP rs776997657, ClinGen allele CA2666076.

ClinVar aggregate classification (germline): Uncertain significance. Review status: criteria provided, multiple submitters, no conflicts (2 of 4 stars). 5 submissions from 5 submitters: Uncertain significance (5). Last evaluated 2026-06-20.

Conditions:
CLRN1-related disorder. Also called: CLRN1-related condition.
Melnick-Fraser syndrome (BOR). Also called: Branchiootorenal syndrome; Branchiootorenal Syndrome (BORS); Branchio-oto-renal syndrome. Identifiers: Orphanet 107, MedGen C0265234, MONDO:0007029.

Allele frequency attached by ClinVar (database versions not stated): ExAC 0.00002; TOPMed 0.00002; gnomAD 0.00003.
gnomAD v4.1: 106 of 1,613,900 alleles (0.0066%); highest among the groups gnomAD compares: Non-Finnish European, 0.0084%; no homozygotes.

Submissions (5):

PreventionGenetics, part of Exact Sciences
Classification: Uncertain significance for CLRN1-related condition. Last evaluated: 2026-06-20. Review status: criteria provided, single submitter. Criteria: ACMG Guidelines, 2015. Collection method: clinical testing. Allele origin: germline.
Comment: The CLRN1 c.380C>G variant is predicted to result in the amino acid substitution p.Pro127Arg. To our knowledge, this variant has not been reported in the literature. This variant is reported in 0.0062% of alleles in individuals of European (Non-Finnish) descent in gnomAD. At this time, the clinical significance of this variant is uncertain due to the absence of conclusive functional and genetic evidence.

Labcorp Genetics (formerly Invitae), Labcorp
Classification: Uncertain significance. Last evaluated: 2024-11-11. Review status: criteria provided, single submitter. Criteria: Invitae Variant Classification Sherloc (09022015). Collection method: clinical testing. Allele origin: germline.
Comment: This sequence change replaces proline, which is neutral and non-polar, with arginine, which is basic and polar, at codon 127 of the CLRN1 protein (p.Pro127Arg). This variant is present in population databases (rs776997657, gnomAD 0.007%). This variant has not been reported in the literature in individuals affected with CLRN1-related conditions. ClinVar contains an entry for this variant (Variation ID: 1064909). An algorithm developed to predict the effect of missense changes on protein structure and function (PolyPhen-2) suggests that this variant is likely to be disruptive. In summary, the available evidence is currently insufficient to determine the role of this variant in disease. Therefore, it has been classified as a Variant of Uncertain Significance.

GeneDx
Classification: Uncertain significance. Last evaluated: 2024-10-10. Review status: criteria provided, single submitter. Criteria: GeneDx Variant Classification Process June 2021. Collection method: clinical testing. Allele origin: germline.
Comment: Reported in the heterozygous state in a patient with branchio-oculo-facial syndrome in published literature (PMID: 34753855); Not observed at significant frequency in large population cohorts (gnomAD); In silico analysis supports that this missense variant has a deleterious effect on protein structure/function; This variant is associated with the following publications: (PMID: 34753855)

Blueprint Genetics
Classification: Uncertain significance. Last evaluated: 2022-09-22. Review status: criteria provided, single submitter. Criteria: ACMG Guidelines, 2015. Collection method: clinical testing. Allele origin: germline.

Department of Otolaryngology – Head & Neck Surgery, Cochlear Implant Center
Classification: Uncertain significance for Melnick-Fraser syndrome. Last evaluated: 2021-04-12. Review status: criteria provided, single submitter. Criteria: ClinGen HL ACMG Specifications v1. Collection method: clinical testing. Allele origin: germline. Affected: yes.
Comment: PM2_Moderate, PP3_Supporting